The following is an entry in ClinVar:

NM_000193.4(SHH):c.263A>T (p.Asp88Val)

Gene: SHH (sonic hedgehog signaling molecule; minus strand). Cytogenetic location: 7q36.3.
Variant type: single nucleotide variant.
Coding change: c.263A>T on transcript NM_000193.4 (MANE Select); coding-DNA position 263, A replaced by T.
Protein change: p.Asp88Val; replaces aspartic acid 88 with valine.
Molecular consequence: missense variant.
Genome position (GRCh38, 1-based): chr7:155,811,860, T>A on the plus strand (A>T on the coding strand, the complement: SHH is on the minus strand). VCF-style: chr7-155811860-T-A. GRCh37 (hg19) VCF-style: chr7-155604554-T-A.
Other names: c.263>A; short protein forms D88V.
Identifiers: ClinVar variation 8891 (VCV000008891.3), dbSNP rs104894050, ClinGen allele CA340843.
Genomic context (GRCh38, chr7:155,811,860, plus strand): 5'-ACGCCCCGGCGCTGGGTTCCTACCTGAGTCATCAGCCTGTCCGCTCCGGTGTTTTCTTCA[T>A]CCTTAAATATGATGTCGGGGTTGTAATTGGGGGTGAGTTCCTTAAATCGCTCGGAGTTTC-3'
Protein context (NP_000184.1, residues 78-98): PNYNPDIIFK[Asp88Val]EENTGADRLM

ClinVar aggregate classification (germline): Pathogenic. Review status: no assertion criteria provided (0 of 4 stars). 2 submissions from 2 submitters: Pathogenic (2). Last evaluated 2013-08-29.

Conditions:
Holoprosencephaly 3 (HPE3). Identifiers: Orphanet 2162, MedGen C1840529, MONDO:0007733, OMIM 142945.

Submissions (2):

GeneReviews
Classification: Pathogenic for Holoprosencephaly. Last evaluated: 2013-08-29. Review status: no assertion criteria provided. Collection method: curation. Allele origin: unknown.
ClinVar note: Converted during submission from pathologic to Pathogenic.

OMIM
Classification: Pathogenic for HOLOPROSENCEPHALY 3. Last evaluated: 2005-11-22. Review status: no assertion criteria provided. Collection method: literature only. Allele origin: germline.

Literature cited by the submitters: PubMed 11919111 (cited by OMIM); PubMed 16282375 (cited by OMIM).